The following is an entry in ClinVar:

NM_000051.4(ATM):c.2977C>T (p.His993Tyr)

Gene: ATM (ATM serine/threonine kinase; plus strand). Cytogenetic location: 11q22.3.
Variant type: single nucleotide variant.
Coding change: c.2977C>T on transcript NM_000051.4 (MANE Select); coding-DNA position 2977, C replaced by T.
Protein change: p.His993Tyr; replaces histidine 993 with tyrosine.
Molecular consequence: missense variant.
Genome position (GRCh38, 1-based): chr11:108,271,306, C>T. VCF-style: chr11-108271306-C-T. GRCh37 (hg19) VCF-style: chr11-108142033-C-T.
Other names: c.2977C>T, p.His993Tyr (NM_001351834.2); short protein forms H993Y.
Identifiers: ClinVar variation 2700158 (VCV002700158.4), dbSNP rs2081569641, ClinGen allele CA382547297.

ClinVar aggregate classification (germline): Uncertain significance. Review status: criteria provided, multiple submitters, no conflicts (2 of 4 stars). 2 submissions from 2 submitters: Uncertain significance (2). Last evaluated 2026-05-05.

Conditions:
Hereditary cancer-predisposing syndrome. Also called: Tumor predisposition; Hereditary neoplastic syndrome; Neoplastic Syndromes, Hereditary; Hereditary Cancer Syndrome. Identifiers: Orphanet 140162, MedGen C0027672, MeSH D009386, MONDO:0015356.
Ataxia-telangiectasia syndrome (AT). Also called: Ataxia-telangiectasia, complementation group E; Ataxia-telangiectasia, complementation group D; LOUIS-BAR SYNDROME; AT, COMPLEMENTATION GROUP C; Cerebello-oculocutaneous telangiectasia; Immunodeficiency with ataxia telangiectasia. Identifiers: Orphanet 100, MedGen C0004135, MONDO:0008840, OMIM 208900.

Submissions (2):

Ambry Genetics
Classification: Uncertain significance for Hereditary cancer-predisposing syndrome. Last evaluated: 2026-05-05. Review status: criteria provided, single submitter. Criteria: Ambry Variant Classification Scheme 2023. Collection method: clinical testing. Allele origin: germline.
Comment: The p.H993Y variant (also known as c.2977C>T), located in coding exon 19 of the ATM gene, results from a C to T substitution at nucleotide position 2977. The histidine at codon 993 is replaced by tyrosine, an amino acid with similar properties. In an assay testing ATM function, this variant showed a functionally normal result (Lee KS et al. Cell, 2025 Sep;188:5081-5099.e27). This amino acid position is not well conserved in available vertebrate species. In addition, this alteration is predicted to be tolerated by in silico analysis. Based on the available evidence, the clinical significance of this variant remains unclear.

Labcorp Genetics (formerly Invitae), Labcorp
Classification: Uncertain significance for Ataxia-telangiectasia syndrome. Last evaluated: 2023-12-20. Review status: criteria provided, single submitter. Criteria: Invitae Variant Classification Sherloc (09022015). Collection method: clinical testing. Allele origin: germline.
Comment: This sequence change replaces histidine, which is basic and polar, with tyrosine, which is neutral and polar, at codon 993 of the ATM protein (p.His993Tyr). This variant is not present in population databases (gnomAD no frequency). This variant has not been reported in the literature in individuals affected with ATM-related conditions. An algorithm developed to predict the effect of missense changes on protein structure and function (PolyPhen-2) suggests that this variant is likely to be tolerated. In summary, the available evidence is currently insufficient to determine the role of this variant in disease. Therefore, it has been classified as a Variant of Uncertain Significance.

Literature cited by the submitters: PubMed 40580951 (cited by Ambry Genetics).